The following is an entry in ClinVar:

NM_000089.4(COL1A2):c.2997+6T>A

Gene: COL1A2 (collagen type I alpha 2 chain; plus strand). Cytogenetic location: 7q21.3.
Variant type: single nucleotide variant.
Coding change: c.2997+6T>A on transcript NM_000089.4 (MANE Select); 6 bases into the intron after coding-DNA position 2997, T replaced by A.
Molecular consequence: intron variant.
Genome position (GRCh38, 1-based): chr7:94,426,057, T>A. VCF-style: chr7-94426057-T-A. GRCh37 (hg19) VCF-style: chr7-94055369-T-A.
Identifiers: ClinVar variation 643574 (VCV000643574.10), dbSNP rs1584330154, ClinGen allele CA915945373.

ClinVar aggregate classification (germline): Uncertain significance (1 of 4 stars; one submission).

Conditions:
Osteogenesis imperfecta type I (OI1). Also called: OI, TYPE I; OSTEOGENESIS IMPERFECTA TARDA; OSTEOGENESIS IMPERFECTA WITH BLUE SCLERAE; Osteogenesis imperfecta type 1; Classic Non-deforming Osteogenesis Imperfecta with Blue Sclerae; Lobstein's Disease. Identifiers: Orphanet 216796, Orphanet 666, MedGen C0023931, MONDO:0008146, OMIM 166200. Disease mechanism: loss of function.
Ehlers-Danlos syndrome, classic type, 1 (EDSCL1). Also called: EDS I; EHLERS-DANLOS SYNDROME, GRAVIS TYPE; EHLERS-DANLOS SYNDROME, SEVERE CLASSIC TYPE; Ehlers-Danlos Syndrome, Classic Type, COL5A1-Related; Ehlers-Danlos syndrome, type 1. Identifiers: MedGen C0268335, MONDO:0019567, OMIM 130000.

gnomAD v4.1: 6 of 1,612,720 alleles (0.00037%); highest among the groups gnomAD compares: Non-Finnish European, 0.00051%; no homozygotes.

Submission:

Labcorp Genetics (formerly Invitae), Labcorp
Classification: Uncertain significance for Osteogenesis imperfecta type I; Ehlers-Danlos syndrome, classic type, 1. Last evaluated: 2022-07-05. Review status: criteria provided, single submitter. Criteria: Invitae Variant Classification Sherloc (09022015). Collection method: clinical testing. Allele origin: germline.
Comment: In summary, the available evidence is currently insufficient to determine the role of this variant in disease. Therefore, it has been classified as a Variant of Uncertain Significance. Variants that disrupt the consensus splice site are a relatively common cause of aberrant splicing (PMID: 17576681, 9536098). Algorithms developed to predict the effect of sequence changes on RNA splicing suggest that this variant may disrupt the consensus splice site. ClinVar contains an entry for this variant (Variation ID: 643574). This variant has not been reported in the literature in individuals affected with COL1A2-related conditions. This variant is not present in population databases (gnomAD no frequency). This sequence change falls in intron 45 of the COL1A2 gene. It does not directly change the encoded amino acid sequence of the COL1A2 protein. It affects a nucleotide within the consensus splice site.

Literature cited by the submitters: PubMed 17576681; PubMed 9536098.